The following is an entry in ClinVar:

ClinVar aggregate classification (germline): Conflicting classifications of pathogenicity. Review status: criteria provided, conflicting classifications (1 of 4 stars). 4 submissions from 4 submitters: Likely pathogenic (2); Uncertain significance (2). Last evaluated 2025-01-15.

Conditions:
Inborn genetic diseases. Identifiers: MedGen C0950123, MeSH D030342.
Early-infantile DEE. Also called: Early infantile epileptic encephalopathy; Ohtahara syndrome; Early infantile epileptic encephalopathy with suppression bursts. Identifiers: Orphanet 1934, MedGen C0393706, MONDO:0800491.
SCN8A-related disorder.

Submissions (4):

GeneDx
Classification: Likely pathogenic. Last evaluated: 2025-01-15. Review status: criteria provided, single submitter. Criteria: GeneDx Variant Classification Process June 2021. Collection method: clinical testing. Allele origin: germline. Affected: yes.
Comment: Published functional studies suggest a damaging effect: hyperpolarizing shift of fast inactivation, leading to loss of function (PMID: 38251463); Not observed at significant frequency in large population cohorts (gnomAD); In silico analysis supports that this missense variant has a deleterious effect on protein structure/function; This variant is associated with the following publications: (PMID: 37440794, 38251463)

Division of Genetic & Genomic Pathology, Hong Kong Children's Hospital
Classification: Likely pathogenic for SCN8A-related disorders. Last evaluated: 2024-09-10. Review status: criteria provided, single submitter. Criteria: ACMG Guidelines, 2015. Collection method: clinical testing. Allele origin: germline. Affected: yes.
Comment: SCN8A c.2540G>A p.(Arg847Gln) is a missense variant located in the S4 segment of the voltage sensing domain II of the protein. The variant is absent from control populations (gnomAD v4.1.0). It is deposited in ClinVar with conflicting classifications of pathogenicity, including one likely pathogenic submission and 2 uncertain significance submissions (ClinVar accession: VCV002274415.4). This variant is predicted to be deleterious with a REVEL score of 0.953. It has been reported in patients with ataxia and/or intellectual disability (PMID: 37440794, 38251463), with functional study demonstrating loss-of-function effects (PMID: 38251463). An identical amino acid change in a paralogous sodium channel, NM_001040142.2(SCN2A):c.2558G>A (p.Arg853Gln), has been classified as pathogenic by the ClinGen Epilepsy Sodium Channel Variant Curation Expert Panel (ClinVar accession: VCV000194555.25). For these reasons, SCN8A c.2540G>A p.(Arg847Gln) is classified as likely pathogenic.

Labcorp Genetics (formerly Invitae), Labcorp
Classification: Uncertain significance for Early-infantile DEE. Last evaluated: 2023-03-08. Review status: criteria provided, single submitter. Criteria: Invitae Variant Classification Sherloc (09022015). Collection method: clinical testing. Allele origin: germline.
Comment: Advanced modeling of protein sequence and biophysical properties (such as structural, functional, and spatial information, amino acid conservation, physicochemical variation, residue mobility, and thermodynamic stability) performed at Invitae indicates that this missense variant is expected to disrupt SCN8A protein function. This sequence change replaces arginine, which is basic and polar, with glutamine, which is neutral and polar, at codon 847 of the SCN8A protein (p.Arg847Gln). This variant is not present in population databases (gnomAD no frequency). This variant has not been reported in the literature in individuals affected with SCN8A-related conditions. ClinVar contains an entry for this variant (Variation ID: 2274415). In summary, the available evidence is currently insufficient to determine the role of this variant in disease. Therefore, it has been classified as a Variant of Uncertain Significance.

Ambry Genetics
Classification: Uncertain significance for Inborn genetic diseases. Last evaluated: 2022-01-27. Review status: criteria provided, single submitter. Criteria: Ambry Variant Classification Scheme 2023. Collection method: clinical testing. Allele origin: germline.

Literature cited by the submitters: PubMed 37440794 (cited by Division of Genetic & Genomic Pathology, Hong Kong Children's Hospital); PubMed 38251463 (cited by Division of Genetic & Genomic Pathology, Hong Kong Children's Hospital).

NM_001330260.2(SCN8A):c.2540G>A (p.Arg847Gln)

Gene: SCN8A (sodium voltage-gated channel alpha subunit 8; plus strand). Cytogenetic location: 12q13.13.
Variant type: single nucleotide variant.
Coding change: c.2540G>A on transcript NM_001330260.2 (MANE Select); coding-DNA position 2540, G replaced by A.
Protein change: p.Arg847Gln; replaces arginine 847 with glutamine.
Molecular consequence: missense variant.
Genome position (GRCh38, 1-based): chr12:51,762,672, G>A. VCF-style: chr12-51762672-G-A. GRCh37 (hg19) VCF-style: chr12-52156456-G-A.
Other names: c.2540G>A (NM_014191.3); c.2540G>A, p.Arg847Gln (NM_001177984.3, NM_001369788.1, NM_014191.4); short protein forms R847Q.
Identifiers: ClinVar variation 2274415 (VCV002274415.8), dbSNP rs2540254262, ClinGen allele CA384884831.